The following is an entry in ClinVar:

NM_000642.3(AGL):c.1972A>T (p.Arg658Ter)

Gene: AGL (amylo-alpha-1,6-glucosidase and 4-alpha-glucanotransferase; plus strand). Cytogenetic location: 1p21.2.
Variant type: single nucleotide variant.
Coding change: c.1972A>T on transcript NM_000642.3 (MANE Select); coding-DNA position 1972, A replaced by T.
Protein change: p.Arg658Ter; replaces arginine 658 with a stop codon.
Molecular consequence: nonsense.
Genome position (GRCh38, 1-based): chr1:99,881,148, A>T. VCF-style: chr1-99881148-A-T. GRCh37 (hg19) VCF-style: chr1-100346704-A-T.
Other names: c.1972A>T, p.Arg658Ter (NM_000028.3, NM_000643.3, NM_000644.3 and 2 more transcripts); c.1924A>T, p.Arg642Ter (NM_000646.3); c.1771A>T, p.Arg591Ter (NM_001425327.1); c.1768A>T, p.Arg590Ter (NM_001425328.1, NM_001425329.1); c.1594A>T, p.Arg532Ter (NM_001425332.1); short protein forms R591*, R642*, R590*, R532*, R658*.
Identifiers: ClinVar variation 3023357 (VCV003023357.3), dbSNP rs1173312923, ClinGen allele CA341318203.

ClinVar aggregate classification (germline): Pathogenic (1 of 4 stars; one submission).

Conditions:
Glycogen storage disease type III (GSD3). Also called: FORBES DISEASE; Cori disease. Identifiers: Orphanet 366, MedGen C0017922, MONDO:0009291, OMIM 232400.

Allele frequency attached by ClinVar (database versions not stated): TOPMed below 0.00001; gnomAD 0.00001.
gnomAD v4.1: 1 of 1,613,900 alleles (0.000062%); highest among the groups gnomAD compares: African/African-American, 0.0013%; no homozygotes.

Submission:

Labcorp Genetics (formerly Invitae), Labcorp
Classification: Pathogenic for Glycogen storage disease type III. Last evaluated: 2023-08-02. Review status: criteria provided, single submitter. Criteria: Invitae Variant Classification Sherloc (09022015). Collection method: clinical testing. Allele origin: germline.
Comment: For these reasons, this variant has been classified as Pathogenic. This variant is not present in population databases (gnomAD no frequency). This variant has not been reported in the literature in individuals affected with AGL-related conditions. Algorithms developed to predict the effect of sequence changes on RNA splicing suggest that this variant may disrupt the consensus splice site. This sequence change creates a premature translational stop signal (p.Arg658*) in the AGL gene. It is expected to result in an absent or disrupted protein product. Loss-of-function variants in AGL are known to be pathogenic (PMID: 19299494).

Literature cited by the submitters: PubMed 19299494.